The following is an entry in ClinVar:

NM_001940.4(ATN1):c.1256_1257del (p.Ser419fs)

Gene: ATN1 (atrophin 1; plus strand). Cytogenetic location: 12p13.31.
Variant type: Microsatellite.
Coding change: c.1256_1257del on transcript NM_001940.4 (MANE Select); coding-DNA positions 1256 to 1257, 2 bases deleted (CT; older notation c.1256_1257delCT).
Protein change: p.Ser419fs; shifts the reading frame from serine 419.
Molecular consequence: frameshift variant.
Genome position (GRCh38, 1-based): chr12:6,936,523-6,936,524, CT deleted; deleting any 2 consecutive bases within chr12:6,936,519-6,936,524 gives the same sequence; the c. name uses the placement nearest the transcript's 3' end. VCF-style (leftmost placement, unchanged base first): chr12-6936518-CCT-C. GRCh37 (hg19) VCF-style: chr12-7045681-CCT-C.
Other names: c.1256_1257del, p.Ser419fs (NM_001007026.2, NM_001424176.1, NM_001424177.1 and 1 more transcripts); c.1253_1254del, p.Ser418fs (NM_001424179.1, NM_001424180.1, NM_001424182.1); c.1252_1253CT[2], p.Ser419Cysfs (NM_001424181.1); short protein forms S418fs, S419fs.
Identifiers: ClinVar variation 2633634 (VCV002633634.1), dbSNP rs2542623105, ClinGen allele CA2695199050.

ClinVar aggregate classification (germline): Uncertain significance (1 of 4 stars; one submission).

Conditions:
ATN1-related disorder. Also called: ATN1-related disorders; ATN1-related condition.

Submission:

PreventionGenetics, part of Exact Sciences
Classification: Uncertain significance for ATN1-related condition. Last evaluated: 2023-03-28. Review status: criteria provided, single submitter. Criteria: ACMG Guidelines, 2015. Collection method: clinical testing. Allele origin: germline.
Comment: The ATN1 c.1256_1257delCT variant is predicted to result in a frameshift and premature protein termination (p.Ser419Cysfs*104). To our knowledge, this variant has not been reported in the literature or in a large population database, indicating this variant is rare. Loss of function has not been established as a mechanism for ATN1-related disorders. At this time, the clinical significance of this variant is uncertain due to the absence of conclusive functional and genetic evidence.